The following is an entry in ClinVar:

ClinVar aggregate classification (germline): Uncertain significance (1 of 4 stars; one submission).

Conditions:
Cardiovascular phenotype. Identifiers: MedGen CN230736.

Submission:

Ambry Genetics
Classification: Uncertain significance for Cardiovascular phenotype. Last evaluated: 2024-01-10. Review status: criteria provided, single submitter. Criteria: Ambry Variant Classification Scheme 2023. Collection method: clinical testing. Allele origin: germline.
Comment: The p.K1557N variant (also known as c.4671G>T), located in coding exon 32 of the MYH7 gene, results from a G to T substitution at nucleotide position 4671. The lysine at codon 1557 is replaced by asparagine, an amino acid with similar properties. This amino acid position is highly conserved in available vertebrate species. In addition, the in silico prediction for this alteration is inconclusive. Since supporting evidence is limited at this time, the clinical significance of this alteration remains unclear.

NM_000257.4(MYH7):c.4671G>T (p.Lys1557Asn)

Genes: MHRT (myosin heavy chain associated RNA transcript; plus strand), MYH7 (myosin heavy chain 7; minus strand), LOC126861897 (BRD4-independent group 4 enhancer GRCh37_chr14:23884455-23885654; plus strand). Cytogenetic location: 14q11.2.
Variant type: single nucleotide variant.
Coding change: c.4671G>T on transcript NM_000257.4 (MANE Select); coding-DNA position 4671, G replaced by T.
Protein change: p.Lys1557Asn; replaces lysine 1557 with asparagine.
Molecular consequence: missense variant. On other transcripts: non-coding transcript variant (1).
Genome position (GRCh38, 1-based): chr14:23,416,286, C>A on the plus strand (G>T on the coding strand, the complement: MYH7 is on the minus strand). VCF-style: chr14-23416286-C-A. GRCh37 (hg19) VCF-style: chr14-23885495-C-A.
Other names: c.4671G>T, p.Lys1557Asn (NM_001407004.1); short protein forms K1557N.
Identifiers: ClinVar variation 3230911 (VCV003230911.1), dbSNP rs200601164, ClinGen allele CA389037886.